The following is an entry in ClinVar:

NM_000298.6(PKLR):c.37C>T (p.Arg13Trp)

Gene: PKLR (pyruvate kinase L/R; minus strand). Cytogenetic location: 1q22.
Variant type: single nucleotide variant.
Coding change: c.37C>T on transcript NM_000298.6 (MANE Select); coding-DNA position 37, C replaced by T.
Protein change: p.Arg13Trp; replaces arginine 13 with tryptophan.
Molecular consequence: missense variant.
Genome position (GRCh38, 1-based): chr1:155,301,359, G>A on the plus strand (C>T on the coding strand, the complement: PKLR is on the minus strand). VCF-style: chr1-155301359-G-A. GRCh37 (hg19) VCF-style: chr1-155271150-G-A.
Other names: short protein forms R13W.
Identifiers: ClinVar variation 3607731 (VCV003607731.2).

ClinVar aggregate classification (germline): Uncertain significance (1 of 4 stars; one submission).

gnomAD v4.1: 19 of 1,613,866 alleles (0.0012%); highest among the groups gnomAD compares: East Asian, 0.0089%; no homozygotes.

Submission:

Labcorp Genetics (formerly Invitae), Labcorp
Classification: Uncertain significance. Last evaluated: 2024-08-31. Review status: criteria provided, single submitter. Criteria: Invitae Variant Classification Sherloc (09022015). Collection method: clinical testing. Allele origin: germline.
Comment: This sequence change replaces arginine, which is basic and polar, with tryptophan, which is neutral and slightly polar, at codon 13 of the PKLR protein (p.Arg13Trp). This variant is present in population databases (rs772818969, gnomAD 0.01%). This missense change has been observed in individual(s) with pyruvate kinase deficiency (internal data). An algorithm developed to predict the effect of missense changes on protein structure and function outputs the following: PolyPhen-2: "Benign". The tryptophan amino acid residue is found in multiple mammalian species, which suggests that this missense change does not adversely affect protein function. Algorithms developed to predict the effect of sequence changes on RNA splicing suggest that this variant may disrupt the consensus splice site. In summary, the available evidence is currently insufficient to determine the role of this variant in disease. Therefore, it has been classified as a Variant of Uncertain Significance.